The following is an entry in ClinVar:

ClinVar aggregate classification (germline): Pathogenic. Review status: criteria provided, multiple submitters, no conflicts (2 of 4 stars). 2 submissions from 2 submitters: Pathogenic (2). Last evaluated 2024-09-12.

Conditions:
Hereditary cancer-predisposing syndrome. Also called: Neoplastic Syndromes, Hereditary; Tumor predisposition; Hereditary neoplastic syndrome; Hereditary Cancer Syndrome. Identifiers: Orphanet 140162, MedGen C0027672, MeSH D009386, MONDO:0015356.
Hereditary breast ovarian cancer syndrome. Also called: Hereditary breast and ovarian cancer syndrome (HBOC); Breast and ovarian cancer; Hereditary breast and/or ovarian cancer syndrome; BRCA1- and BRCA2-Associated Hereditary Breast and Ovarian Cancer; Hereditary breast and ovarian cancer syndrome; Hereditary breast and ovarian cancer. Identifiers: Orphanet 145, MedGen C0677776, MeSH D061325, MONDO:0003582. Disease mechanism: loss of function.

Submissions (2):

Labcorp Genetics (formerly Invitae), Labcorp
Classification: Pathogenic for Hereditary breast ovarian cancer syndrome. Last evaluated: 2024-09-12. Review status: criteria provided, single submitter. Criteria: Invitae Variant Classification Sherloc (09022015). Collection method: clinical testing. Allele origin: germline.
Comment: This sequence change creates a premature translational stop signal (p.Arg2272*) in the BRCA2 gene. It is expected to result in an absent or disrupted protein product. Loss-of-function variants in BRCA2 are known to be pathogenic (PMID: 20104584). This variant is not present in population databases (gnomAD no frequency). This variant has not been reported in the literature in individuals affected with BRCA2-related conditions. For these reasons, this variant has been classified as Pathogenic.

Ambry Genetics
Classification: Pathogenic for Hereditary cancer-predisposing syndrome. Last evaluated: 2023-11-16. Review status: criteria provided, single submitter. Criteria: Ambry Variant Classification Scheme 2023. Collection method: clinical testing. Allele origin: germline.
Comment: The p.R2272* pathogenic mutation (also known as c.6814A>T), located in coding exon 10 of the BRCA2 gene, results from an A to T substitution at nucleotide position 6814. This changes the amino acid from an arginine to a stop codon within coding exon 10. This variant is considered to be rare based on population cohorts in the Genome Aggregation Database (gnomAD). This alteration is expected to result in loss of function by premature protein truncation or nonsense-mediated mRNA decay. As such, this alteration is interpreted as a disease-causing mutation.

Literature cited by the submitters: PubMed 20104584 (cited by Labcorp Genetics (formerly Invitae), Labcorp).

NM_000059.4(BRCA2):c.6814A>T (p.Arg2272Ter)

Gene: BRCA2 (BRCA2 DNA repair associated; plus strand). Cytogenetic location: 13q13.1.
Variant type: single nucleotide variant.
Coding change: c.6814A>T on transcript NM_000059.4 (MANE Select); coding-DNA position 6814, A replaced by T.
Protein change: p.Arg2272Ter; replaces arginine 2272 with a stop codon.
Molecular consequence: nonsense. On other transcripts: non-coding transcript variant (1), intron variant (2).
Genome position (GRCh38, 1-based): chr13:32,341,169, A>T. VCF-style: chr13-32341169-A-T. GRCh37 (hg19) VCF-style: chr13-32915306-A-T.
Other names: c.6814A>T, p.Arg2272Ter (NM_001406719.1, NM_001406720.1); c.1910-3389A>T (NM_001406721.1); c.425-3389A>T (NM_001406722.1); short protein forms R2272*.
Identifiers: ClinVar variation 3228082 (VCV003228082.3), dbSNP rs2137530879, ClinGen allele CA387791409.